The following is an entry in ClinVar:

NM_006736.6(DNAJB2):c.620-22_620-20del

Gene: DNAJB2 (DnaJ heat shock protein family (Hsp40) member B2; plus strand). Cytogenetic location: 2q35.
Variant type: Deletion.
Coding change: c.620-22_620-20del on transcript NM_006736.6 (MANE Select); 22 bases into the intron before coding-DNA position 620 through 20 bases into the intron before coding-DNA position 620, 3 bases deleted (ATG; older notation c.620-22_620-20delATG).
Molecular consequence: intron variant.
Genome position (GRCh38, 1-based): chr2:219,284,610-219,284,612, ATG deleted. VCF-style (leftmost placement, unchanged base first): chr2-219284609-CATG-C. GRCh37 (hg19) VCF-style: chr2-220149331-CATG-C.
Other names: c.620-22_620-20del (NM_001039550.2).
Identifiers: ClinVar variation 422788 (VCV000422788.4), dbSNP rs1064795998, ClinGen allele CA16617475.

ClinVar aggregate classification (germline): Likely benign. Review status: criteria provided, multiple submitters, no conflicts (2 of 4 stars). 2 submissions from 2 submitters: Likely benign (2). Last evaluated 2024-02-05.

Conditions:
Neuronopathy, distal hereditary motor, autosomal recessive 5. Also called: Spinal muscular atrophy, distal, autosomal recessive, 5; Young adult-onset distal hereditary motor neuropathy; NEUROPATHY, DISTAL HEREDITARY MOTOR, AUTOSOMAL RECESSIVE 5. Identifiers: Orphanet 314485, Orphanet 443950, MedGen C4749918, MONDO:0013947, OMIM 614881.

Allele frequency attached by ClinVar (database versions not stated): gnomAD exomes below 0.00001 and 0.00001; gnomAD 0.00001; TOPMed 0.00001.

Submissions (2):

Labcorp Genetics (formerly Invitae), Labcorp
Classification: Likely benign for Neuronopathy, distal hereditary motor, autosomal recessive 5. Last evaluated: 2024-02-05. Review status: criteria provided, single submitter. Criteria: Invitae Variant Classification Sherloc (09022015). Collection method: clinical testing. Allele origin: germline.

GeneDx
Classification: Likely benign. Last evaluated: 2016-11-23. Review status: criteria provided, single submitter. Criteria: GeneDx Variant Classification (06012015). Collection method: clinical testing. Allele origin: germline. Affected: yes.
Comment: This variant is considered likely benign or benign based on one or more of the following criteria: it is a conservative change, it occurs at a poorly conserved position in the protein, it is predicted to be benign by multiple in silico algorithms, and/or has population frequency not consistent with disease.